The following is an entry in ClinVar:

ClinVar aggregate classification (germline): Uncertain significance (1 of 4 stars; one submission).

Allele frequency attached by ClinVar (database versions not stated): gnomAD exomes below 0.00001; ExAC 0.00001.

Submission:

Labcorp Genetics (formerly Invitae), Labcorp
Classification: Uncertain significance. Last evaluated: 2021-04-23. Review status: criteria provided, single submitter. Criteria: Invitae Variant Classification Sherloc (09022015). Collection method: clinical testing. Allele origin: germline.
Comment: In summary, the available evidence is currently insufficient to determine the role of this variant in disease. Therefore, it has been classified as a Variant of Uncertain Significance. Algorithms developed to predict the effect of missense changes on protein structure and function (SIFT, PolyPhen-2, Align-GVGD) all suggest that this variant is likely to be tolerated, but these predictions have not been confirmed by published functional studies and their clinical significance is uncertain. This variant has not been reported in the literature in individuals with RNF31-related conditions. This variant is present in population databases (rs754325792, ExAC 0.008%). This sequence change replaces cysteine with tyrosine at codon 473 of the RNF31 protein (p.Cys473Tyr). The cysteine residue is moderately conserved and there is a large physicochemical difference between cysteine and tyrosine.

NM_017999.5(RNF31):c.1418G>A (p.Cys473Tyr)

Gene: RNF31 (ring finger protein 31; plus strand). Cytogenetic location: 14q12.
Variant type: single nucleotide variant.
Coding change: c.1418G>A on transcript NM_017999.5 (MANE Select); coding-DNA position 1418, G replaced by A.
Protein change: p.Cys473Tyr; replaces cysteine 473 with tyrosine.
Molecular consequence: missense variant.
Genome position (GRCh38, 1-based): chr14:24,150,818, G>A. VCF-style: chr14-24150818-G-A. GRCh37 (hg19) VCF-style: chr14-24620027-G-A.
Other names: c.965G>A, p.Cys322Tyr (NM_001310332.2); short protein forms C473Y, C322Y.
Identifiers: ClinVar variation 1423438 (VCV001423438.8), dbSNP rs754325792, ClinGen allele CA7125764.